The following is an entry in ClinVar:

NM_001267550.2(TTN):c.6909T>G (p.Asp2303Glu)

Genes: TTN (titin; minus strand), LOC126806433 (BRD4-independent group 4 enhancer GRCh37_chr2:179638309-179639508; plus strand). Cytogenetic location: 2q31.2.
Variant type: single nucleotide variant.
Coding change: c.6909T>G on transcript NM_001267550.2 (MANE Select); coding-DNA position 6909, T replaced by G.
Protein change: p.Asp2303Glu; replaces aspartic acid 2303 with glutamic acid.
Molecular consequence: missense variant.
Genome position (GRCh38, 1-based): chr2:178,774,355, A>C on the plus strand (T>G on the coding strand, the complement: TTN is on the minus strand). VCF-style: chr2-178774355-A-C. GRCh37 (hg19) VCF-style: chr2-179639082-A-C.
Other names: c.6909T>G, p.Asp2303Glu (NM_001256850.1, NM_133378.4, NM_133379.5); c.6771T>G, p.Asp2257Glu (NM_003319.4, NM_133432.3, NM_133437.4); short protein forms D2257E, D2303E.
Identifiers: ClinVar variation 4689091 (VCV004689091.3).

ClinVar aggregate classification (germline): Conflicting classifications of pathogenicity. Review status: criteria provided, conflicting classifications (1 of 4 stars). 3 submissions from 3 submitters: Uncertain significance (2); Likely benign (1). Last evaluated 2026-08-12.

Conditions:
TTN-related disorder. Also called: TTN-related condition; TTN-related disease; TTN-related disorders.

gnomAD v4.1: 1 of 1,614,114 alleles (0.000062%); no homozygotes.

Submissions (3):

PreventionGenetics, part of Exact Sciences
Classification: Uncertain significance for TTN-related condition. Last evaluated: 2026-08-12. Review status: criteria provided, single submitter. Criteria: ACMG Guidelines, 2015. Collection method: clinical testing. Allele origin: germline.
Comment: The TTN c.6909T>G variant is predicted to result in the amino acid substitution p.Asp2303Glu. To our knowledge, this variant has not been reported in the literature or in a large population database (gnomAD), indicating this variant is rare. At this time, the clinical significance of this variant is uncertain due to the absence of conclusive functional and genetic evidence.

Molecular Diagnostic Laboratory for Inherited Cardiovascular Disease, Montreal Heart Institute
Classification: Likely benign. Last evaluated: 2026-03-27. Review status: criteria provided, single submitter. Criteria: ACMG Guidelines, 2015. Collection method: clinical testing. Allele origin: germline. Affected: no.

Women's Health and Genetics/Laboratory Corporation of America, LabCorp
Classification: Uncertain significance. Last evaluated: 2026-01-22. Review status: criteria provided, single submitter. Criteria: LabCorp Variant Classification Summary - May 2015. Collection method: clinical testing. Allele origin: germline.
Comment: Variant summary: TTN c.6909T>G (p.Asp2303Glu) results in a conservative amino acid change in the encoded protein sequence. Algorithms developed to predict the effect of missense changes on protein structure and function all suggest that this variant is likely to be tolerated. The variant was absent in 251040 control chromosomes. The available data on variant occurrences in the general population are insufficient to allow any conclusion about variant significance. To our knowledge, no occurrence of c.6909T>G in individuals affected with TTN-related conditions and no experimental evidence demonstrating its impact on protein function have been reported. No submitters have cited clinical-significance assessments for this variant to ClinVar. Based on the evidence outlined above, the variant was classified as uncertain significance.